The following is an entry in ClinVar:

NM_001330078.2(NRXN1):c.1769C>G (p.Ser590Cys)

Gene: NRXN1 (neurexin 1; minus strand). Cytogenetic location: 2p16.3.
Variant type: single nucleotide variant.
Coding change: c.1769C>G on transcript NM_001330078.2 (MANE Select); coding-DNA position 1769, C replaced by G.
Protein change: p.Ser590Cys; replaces serine 590 with cysteine.
Molecular consequence: missense variant.
Genome position (GRCh38, 1-based): chr2:50,538,627, G>C on the plus strand (C>G on the coding strand, the complement: NRXN1 is on the minus strand). VCF-style: chr2-50538627-G-C. GRCh37 (hg19) VCF-style: chr2-50765765-G-C.
Other names: c.1889C>G, p.Ser630Cys (NM_001135659.3); c.1745C>G, p.Ser582Cys (NM_001330077.2, NM_001330082.2, NM_001330095.2); c.1730C>G, p.Ser577Cys (NM_001330083.2, NM_001330084.2); c.1769C>G, p.Ser590Cys (NM_001330085.2, NM_001330086.2, NM_004801.6); c.1685C>G, p.Ser562Cys (NM_001330087.2, NM_001330096.2); c.1715C>G, p.Ser572Cys (NM_001330088.2); c.1766C>G, p.Ser589Cys (NM_001330093.2); c.1757C>G, p.Ser586Cys (NM_001330094.2); short protein forms S562C, S586C, S582C, S590C, S572C, S577C, S589C, S630C.
Identifiers: ClinVar variation 945845 (VCV000945845.9), dbSNP rs2093322026, ClinGen allele CA346771462.

ClinVar aggregate classification (germline): Uncertain significance (1 of 4 stars; one submission).

Conditions:
Pitt-Hopkins-like syndrome 2 (PTHSL2). Identifiers: Orphanet 221150, Orphanet 600663, MedGen C3280479, MONDO:0013690, OMIM 614325.

Submission:

Labcorp Genetics (formerly Invitae), Labcorp
Classification: Uncertain significance for Pitt-Hopkins-like syndrome 2. Last evaluated: 2019-08-03. Review status: criteria provided, single submitter. Criteria: Invitae Variant Classification Sherloc (09022015). Collection method: clinical testing. Allele origin: germline.
Comment: This variant has not been reported in the literature in individuals with NRXN1-related conditions. Algorithms developed to predict the effect of missense changes on protein structure and function are either unavailable or do not agree on the potential impact of this missense change (SIFT: "Tolerated"; PolyPhen-2: "Probably Damaging"; Align-GVGD: "Class C0"). In summary, the available evidence is currently insufficient to determine the role of this variant in disease. Therefore, it has been classified as a Variant of Uncertain Significance. This variant is not present in population databases (ExAC no frequency). This sequence change replaces serine with cysteine at codon 630 of the NRXN1 protein (p.Ser630Cys). The serine residue is highly conserved and there is a moderate physicochemical difference between serine and cysteine.